The following is an entry in ClinVar:

GRCh38/hg38 1q21.1(chr1:145335791-146146477)x3

Genes: ANKRD34A (ankyrin repeat domain 34A; minus strand), ANKRD35 (ankyrin repeat domain 35; minus strand), ANKRD35-DT (ANKRD35 divergent transcript; plus strand), CD160 (CD160 molecule; plus strand), GPHRA (golgi pH regulator A; plus strand) and 59 more. Cytogenetic location: 1q21.1.
Variant type: copy number gain.
Change: copy number 3 (three copies instead of two) of chr1:145,335,791-146,146,477 (810.7 kb, GRCh38 coordinates, 1-based), cytogenetic band 1q21.1.
Identifiers: ClinVar variation 59719 (VCV000059719.2).

ClinVar aggregate classification (germline): Uncertain significance (1 of 4 stars; one submission).

Submission:

ISCA Site 6
Classification: Uncertain significance. Last evaluated: 2011-08-12. Review status: criteria provided, single submitter. Criteria: Kaminsky et al. (Genet Med. 2011). Collection method: clinical testing. Allele origin: unknown. Affected: yes. Observed: 1 variant allele.
Comment: Copy number variation identified through the course of routine clinical cytogenomic testing in postnatal populations. Clinical assertions have been curated as described in Kaminsky et al. 2011.